The following is an entry in ClinVar:

NM_004260.4(RECQL4):c.2746C>A (p.Pro916Thr)

Gene: RECQL4 (RecQ like helicase 4; minus strand). Cytogenetic location: 8q24.3.
Variant type: single nucleotide variant.
Coding change: c.2746C>A on transcript NM_004260.4 (MANE Select); coding-DNA position 2746, C replaced by A.
Protein change: p.Pro916Thr; replaces proline 916 with threonine.
Molecular consequence: missense variant.
Genome position (GRCh38, 1-based): chr8:144,512,856, G>T on the plus strand (C>A on the coding strand, the complement: RECQL4 is on the minus strand). VCF-style: chr8-144512856-G-T. GRCh37 (hg19) VCF-style: chr8-145738239-G-T.
Other names: c.2452C>A, p.Pro818Thr (NM_001413017.1); c.2548C>A, p.Pro850Thr (NM_001413018.1); c.2746C>A, p.Pro916Thr (NM_001413019.1, NM_001413036.1); c.2650C>A, p.Pro884Thr (NM_001413020.1); c.1675C>A, p.Pro559Thr (NM_001413021.1, NM_001413022.1, NM_001413023.1 and 5 more transcripts); c.2617C>A, p.Pro873Thr (NM_001413025.1); c.1609C>A, p.Pro537Thr (NM_001413027.1, NM_001413030.1, NM_001413032.1 and 1 more transcripts); c.2395C>A, p.Pro799Thr (NM_001413029.1); and 6 more; short protein forms P818T, P884T, P916T, P549T, P559T, P850T, P427T, P493T.
Identifiers: ClinVar variation 2175571 (VCV002175571.4), dbSNP rs1827511034, ClinGen allele CA372674778.

ClinVar aggregate classification (germline): Uncertain significance (1 of 4 stars; one submission).

Conditions:
Baller-Gerold syndrome (BGS). Also called: CRANIOSYNOSTOSIS WITH RADIAL DEFECTS. Identifiers: Orphanet 1225, MedGen C0265308, MONDO:0009039, OMIM 218600.

gnomAD v4.1: 2 of 1,603,402 alleles (0.00012%); highest among the groups gnomAD compares: Non-Finnish European, 0.00017%; no homozygotes.

Submission:

Labcorp Genetics (formerly Invitae), Labcorp
Classification: Uncertain significance for Baller-Gerold syndrome. Last evaluated: 2022-12-10. Review status: criteria provided, single submitter. Criteria: Invitae Variant Classification Sherloc (09022015). Collection method: clinical testing. Allele origin: germline.
Comment: This sequence change replaces proline, which is neutral and non-polar, with threonine, which is neutral and polar, at codon 916 of the RECQL4 protein (p.Pro916Thr). This variant is not present in population databases (gnomAD no frequency). This variant has not been reported in the literature in individuals affected with RECQL4-related conditions. Advanced modeling of protein sequence and biophysical properties (such as structural, functional, and spatial information, amino acid conservation, physicochemical variation, residue mobility, and thermodynamic stability) performed at Invitae indicates that this missense variant is not expected to disrupt RECQL4 protein function. In summary, the available evidence is currently insufficient to determine the role of this variant in disease. Therefore, it has been classified as a Variant of Uncertain Significance.